The following is an entry in ClinVar:

NM_001378454.1(ALMS1):c.11374C>G (p.Gln3792Glu)

Gene: ALMS1 (ALMS1 centrosome and basal body associated protein; plus strand). Cytogenetic location: 2p13.1.
Variant type: single nucleotide variant.
Coding change: c.11374C>G on transcript NM_001378454.1 (MANE Select); coding-DNA position 11374, C replaced by G.
Protein change: p.Gln3792Glu; replaces glutamine 3792 with glutamic acid.
Molecular consequence: missense variant.
Genome position (GRCh38, 1-based): chr2:73,573,251, C>G. VCF-style: chr2-73573251-C-G. GRCh37 (hg19) VCF-style: chr2-73800378-C-G.
Other names: c.11377C>G, p.Gln3793Glu (NM_015120.4); short protein forms Q3792E, Q3793E.
Identifiers: ClinVar variation 4680949 (VCV004680949.1).

ClinVar aggregate classification (germline): Uncertain significance (1 of 4 stars; one submission).

gnomAD v4.1: 3 of 1,613,780 alleles (0.00019%); highest among the groups gnomAD compares: East Asian, 0.0022%; no homozygotes.

Submission:

GeneDx
Classification: Uncertain significance. Last evaluated: 2025-06-30. Review status: criteria provided, single submitter. Criteria: GeneDx Variant Classification Process June 2021. Collection method: clinical testing. Allele origin: germline. Affected: yes.
Comment: Not observed at significant frequency in large population cohorts (gnomAD); In silico analysis suggests that this missense variant does not alter protein structure/function; Has not been previously published as pathogenic or benign to our knowledge